The following is an entry in ClinVar:

ClinVar aggregate classification (germline): Uncertain significance (1 of 4 stars; one submission).

Conditions:
Optic atrophy 3 (OPA3). Also called: OPTIC ATROPHY 3, AUTOSOMAL DOMINANT; Optic atrophy, cataract, and neurologic disorder; Optic atrophy 3 with cataract. Identifiers: Orphanet 67036, MedGen C1833809, MONDO:0008133, OMIM 165300.
3-Methylglutaconic aciduria type 3 (MGCA3). Also called: OPA3, AUTOSOMAL RECESSIVE; OPTIC ATROPHY 3, AUTOSOMAL RECESSIVE; Costeff Syndrome; OPA3-Related 3-Methylglutaconic Aciduria. Identifiers: Orphanet 67047, MedGen C0574084, MONDO:0009787, OMIM 258501.

Submission:

Labcorp Genetics (formerly Invitae), Labcorp
Classification: Uncertain significance for 3-Methylglutaconic aciduria type 3; Optic atrophy 3. Last evaluated: 2025-03-17. Review status: criteria provided, single submitter. Criteria: Invitae Variant Classification Sherloc (09022015). Collection method: clinical testing. Allele origin: germline.
Comment: This sequence change replaces phenylalanine, which is neutral and non-polar, with serine, which is neutral and polar, at codon 6 of the OPA3 protein (p.Phe6Ser). This variant is not present in population databases (gnomAD no frequency). This variant has not been reported in the literature in individuals affected with OPA3-related conditions. ClinVar contains an entry for this variant (Variation ID: 1502579). An algorithm developed to predict the effect of missense changes on protein structure and function (PolyPhen-2) suggests that this variant is likely to be disruptive. In summary, the available evidence is currently insufficient to determine the role of this variant in disease. Therefore, it has been classified as a Variant of Uncertain Significance.

NM_025136.4(OPA3):c.17T>C (p.Phe6Ser)

Genes: OPA3 (outer mitochondrial membrane lipid metabolism regulator OPA3; minus strand), OPA3-RTN2 (OPA3-RTN2 readthrough; minus strand), LOC130064709 (ATAC-STARR-seq lymphoblastoid active region 14802; plus strand). Cytogenetic location: 19q13.32.
Variant type: single nucleotide variant.
Coding change: c.17T>C on transcript NM_025136.4 (MANE Select); coding-DNA position 17, T replaced by C.
Protein change: p.Phe6Ser; replaces phenylalanine 6 with serine.
Molecular consequence: missense variant.
Genome position (GRCh38, 1-based): chr19:45,584,748, A>G on the plus strand (T>C on the coding strand, the complement: OPA3 is on the minus strand). VCF-style: chr19-45584748-A-G. GRCh37 (hg19) VCF-style: chr19-46088006-A-G.
Other names: c.17T>C, p.Phe6Ser (NM_001017989.3); short protein forms F6S.
Identifiers: ClinVar variation 1502579 (VCV001502579.8), dbSNP rs2122529643, ClinGen allele CA406379012.